The following is an entry in ClinVar:

NM_020699.4(GATAD2B):c.1530+6G>A

Gene: GATAD2B (GATA zinc finger domain containing 2B; minus strand). Cytogenetic location: 1q21.3.
Variant type: single nucleotide variant.
Coding change: c.1530+6G>A on transcript NM_020699.4 (MANE Select); 6 bases into the intron after coding-DNA position 1530, G replaced by A.
Molecular consequence: intron variant.
Genome position (GRCh38, 1-based): chr1:153,812,016, C>T on the plus strand (G>A on the coding strand, the complement: GATAD2B is on the minus strand). VCF-style: chr1-153812016-C-T. GRCh37 (hg19) VCF-style: chr1-153784492-C-T.
Identifiers: ClinVar variation 4697162 (VCV004697162.1).

ClinVar aggregate classification (germline): Uncertain significance (1 of 4 stars; one submission).

Submission:

Labcorp Genetics (formerly Invitae), Labcorp
Classification: Uncertain significance. Last evaluated: 2025-07-06. Review status: criteria provided, single submitter. Criteria: Invitae Variant Classification Sherloc (09022015). Collection method: clinical testing. Allele origin: germline.
Comment: This sequence change falls in intron 9 of the GATAD2B gene. It does not directly change the encoded amino acid sequence of the GATAD2B protein. It affects a nucleotide within the consensus splice site. This variant is not present in population databases (gnomAD no frequency). This variant has not been reported in the literature in individuals affected with GATAD2B-related conditions. Variants that disrupt the consensus splice site are a relatively common cause of aberrant splicing (PMID: 17576681, 9536098). Algorithms developed to predict the effect of sequence changes on RNA splicing suggest that this variant is not likely to affect RNA splicing. In summary, the available evidence is currently insufficient to determine the role of this variant in disease. Therefore, it has been classified as a Variant of Uncertain Significance.

Literature cited by the submitters: PubMed 17576681; PubMed 9536098.